The following is an entry in ClinVar:

ClinVar aggregate classification (germline): Uncertain significance. Review status: criteria provided, multiple submitters, no conflicts (2 of 4 stars). 2 submissions from 2 submitters: Uncertain significance (2). Last evaluated 2024-04-09.

Allele frequency attached by ClinVar (database versions not stated): TOPMed below 0.00001.
gnomAD v4.1: 2 of 1,613,838 alleles (0.00012%); highest among the groups gnomAD compares: Admixed American, 0.0033%; no homozygotes.

Submissions (2):

Ambry Genetics
Classification: Uncertain significance. Last evaluated: 2024-04-09. Review status: criteria provided, single submitter. Criteria: Ambry Variant Classification Scheme 2023. Collection method: clinical testing. Allele origin: germline.

Labcorp Genetics (formerly Invitae), Labcorp
Classification: Uncertain significance. Last evaluated: 2022-05-17. Review status: criteria provided, single submitter. Criteria: Invitae Variant Classification Sherloc (09022015). Collection method: clinical testing. Allele origin: germline.
Comment: Algorithms developed to predict the effect of missense changes on protein structure and function output the following: SIFT: "Tolerated"; PolyPhen-2: "Benign"; Align-GVGD: "Class C0". The glutamic acid amino acid residue is found in multiple mammalian species, which suggests that this missense change does not adversely affect protein function. In summary, the available evidence is currently insufficient to determine the role of this variant in disease. Therefore, it has been classified as a Variant of Uncertain Significance. This variant has not been reported in the literature in individuals affected with HMCN1-related conditions. This sequence change replaces aspartic acid, which is acidic and polar, with glutamic acid, which is acidic and polar, at codon 3942 of the HMCN1 protein (p.Asp3942Glu). This variant is present in population databases (rs764807456, gnomAD 0.006%).

NM_031935.3(HMCN1):c.11826T>A (p.Asp3942Glu)

Gene: HMCN1 (hemicentin 1; plus strand). Cytogenetic location: 1q31.1.
Variant type: single nucleotide variant.
Coding change: c.11826T>A on transcript NM_031935.3 (MANE Select); coding-DNA position 11826, T replaced by A.
Protein change: p.Asp3942Glu; replaces aspartic acid 3942 with glutamic acid.
Molecular consequence: missense variant.
Genome position (GRCh38, 1-based): chr1:186,117,601, T>A. VCF-style: chr1-186117601-T-A. GRCh37 (hg19) VCF-style: chr1-186086733-T-A.
Other names: c.11826T>A (NM_031935.2); short protein forms D3942E.
Identifiers: ClinVar variation 1944818 (VCV001944818.6), dbSNP rs764807456, ClinGen allele CA1294159.